The following is an entry in ClinVar:

NM_020297.4(ABCC9):c.2240G>A (p.Arg747Lys)

Gene: ABCC9 (ATP binding cassette subfamily C member 9; minus strand). Cytogenetic location: 12p12.1.
Variant type: single nucleotide variant.
Coding change: c.2240G>A on transcript NM_020297.4 (MANE Select); coding-DNA position 2240, G replaced by A.
Protein change: p.Arg747Lys; replaces arginine 747 with lysine.
Molecular consequence: missense variant. On other transcripts: splice acceptor variant (1).
Genome position (GRCh38, 1-based): chr12:21,863,052, C>T on the plus strand (G>A on the coding strand, the complement: ABCC9 is on the minus strand). VCF-style: chr12-21863052-C-T. GRCh37 (hg19) VCF-style: chr12-22015986-C-T.
Other names: c.2240G>A, p.Arg747Lys (NM_001377273.1, NM_005691.4); c.1374-1G>A (NM_001377274.1); short protein forms R747K.
Identifiers: ClinVar variation 950824 (VCV000950824.10), dbSNP rs1945599019, ClinGen allele CA384130182.

ClinVar aggregate classification (germline): Uncertain significance (1 of 4 stars; one submission).

Conditions:
Dilated cardiomyopathy 1O (CMD1O). Also called: CARDIOMYOPATHY, DILATED, WITH VENTRICULAR TACHYCARDIA. Identifiers: Orphanet 154, MedGen C1837839, MONDO:0012062, OMIM 608569.

Submission:

Labcorp Genetics (formerly Invitae), Labcorp
Classification: Uncertain significance for Dilated cardiomyopathy 1O. Last evaluated: 2019-05-24. Review status: criteria provided, single submitter. Criteria: Invitae Variant Classification Sherloc (09022015). Collection method: clinical testing. Allele origin: germline.
Comment: In summary, the available evidence is currently insufficient to determine the role of this variant in disease. Therefore, it has been classified as a Variant of Uncertain Significance. Algorithms developed to predict the effect of sequence changes on RNA splicing suggest that this variant may create or strengthen a splice site, but this prediction has not been confirmed by published transcriptional studies. Algorithms developed to predict the effect of missense changes on protein structure and function output the following: SIFT: "Tolerated"; PolyPhen-2: "Benign"; Align-GVGD: "Class C0". The lysine amino acid residue is found in multiple mammalian species, suggesting that this missense change does not adversely affect protein function. These predictions have not been confirmed by published functional studies and their clinical significance is uncertain. This variant has not been reported in the literature in individuals with ABCC9-related conditions. This variant is not present in population databases (ExAC no frequency). This sequence change replaces arginine with lysine at codon 747 of the ABCC9 protein (p.Arg747Lys). The arginine residue is weakly conserved and there is a small physicochemical difference between arginine and lysine.